The following is an entry in ClinVar:

NM_014639.4(SKIC3):c.3865G>T (p.Val1289Leu)

Gene: SKIC3 (SKI3 subunit of superkiller complex; minus strand). Cytogenetic location: 5q15.
Variant type: single nucleotide variant.
Coding change: c.3865G>T on transcript NM_014639.4 (MANE Select); coding-DNA position 3865, G replaced by T.
Protein change: p.Val1289Leu; replaces valine 1289 with leucine.
Molecular consequence: missense variant.
Genome position (GRCh38, 1-based): chr5:95,490,974, C>A on the plus strand (G>T on the coding strand, the complement: SKIC3 is on the minus strand). VCF-style: chr5-95490974-C-A. GRCh37 (hg19) VCF-style: chr5-94826678-C-A.
Other names: short protein forms V1289L.
Identifiers: ClinVar variation 2693273 (VCV002693273.3), dbSNP rs2530705914, ClinGen allele CA360447790.

ClinVar aggregate classification (germline): Uncertain significance (1 of 4 stars; one submission).

Submission:

Labcorp Genetics (formerly Invitae), Labcorp
Classification: Uncertain significance. Last evaluated: 2023-11-04. Review status: criteria provided, single submitter. Criteria: Invitae Variant Classification Sherloc (09022015). Collection method: clinical testing. Allele origin: germline.
Comment: This sequence change replaces valine, which is neutral and non-polar, with leucine, which is neutral and non-polar, at codon 1289 of the TTC37 protein (p.Val1289Leu). This variant is not present in population databases (gnomAD no frequency). This variant has not been reported in the literature in individuals affected with TTC37-related conditions. Algorithms developed to predict the effect of missense changes on protein structure and function output the following: SIFT: "Not Available"; PolyPhen-2: "Benign"; Align-GVGD: "Not Available". The leucine amino acid residue is found in multiple mammalian species, which suggests that this missense change does not adversely affect protein function. In summary, the available evidence is currently insufficient to determine the role of this variant in disease. Therefore, it has been classified as a Variant of Uncertain Significance.